The following is an entry in ClinVar:

ClinVar aggregate classification (germline): Uncertain significance. Review status: criteria provided, multiple submitters, no conflicts (2 of 4 stars). 2 submissions from 2 submitters: Uncertain significance (2). Last evaluated 2024-03-27.

Conditions:
Epidermolysis bullosa, junctional 5A, intermediate. Also called: EPIDERMOLYSIS BULLOSA, JUNCTIONAL 5A, GENERALIZED INTERMEDIATE; EPIDERMOLYSIS BULLOSA, JUNCTIONAL 5A, NON-HERLITZ TYPE. Identifiers: MedGen C5676956, MONDO:0030768, OMIM 619816.
Junctional epidermolysis bullosa with pyloric atresia. Also called: Epidermolysis bullosa, junctional, with pyloric atresia and aplasia cutis congenita; Epidermolysis bullosa junctionalis with pyloric atresia; EPIDERMOLYSIS BULLOSA, JUNCTIONAL 5B, WITH PYLORIC ATRESIA; APLASIA CUTIS CONGENITA WITH GASTROINTESTINAL ATRESIA; CARMI SYNDROME; EB-PA-ACC. Identifiers: Orphanet 79403, MedGen C5676875, MONDO:0009183, OMIM 226730.

Allele frequency attached by ClinVar (database versions not stated): ESP Exome Variant Server 0.00008; gnomAD exomes 0.00001; TOPMed below 0.00001; ExAC 0.00002.
gnomAD v4.1: 16 of 1,613,936 alleles (0.00099%); highest among the groups gnomAD compares: Admixed American, 0.0017%; no homozygotes.

Submissions (2):

Fulgent Genetics
Classification: Uncertain significance for Junctional epidermolysis bullosa with pyloric atresia; Epidermolysis bullosa, junctional 5A, intermediate. Last evaluated: 2024-03-27. Review status: criteria provided, single submitter. Criteria: ACMG Guidelines, 2015. Collection method: clinical testing. Allele origin: germline.

Labcorp Genetics (formerly Invitae), Labcorp
Classification: Uncertain significance. Last evaluated: 2022-06-22. Review status: criteria provided, single submitter. Criteria: Invitae Variant Classification Sherloc (09022015). Collection method: clinical testing. Allele origin: germline.
Comment: This sequence change replaces threonine, which is neutral and polar, with methionine, which is neutral and non-polar, at codon 1393 of the ITGB4 protein (p.Thr1393Met). This variant is present in population databases (rs372323678, gnomAD 0.007%). This variant has not been reported in the literature in individuals affected with ITGB4-related conditions. Algorithms developed to predict the effect of missense changes on protein structure and function are either unavailable or do not agree on the potential impact of this missense change (SIFT: "Not Available"; PolyPhen-2: "Benign"; Align-GVGD: "Not Available"). In summary, the available evidence is currently insufficient to determine the role of this variant in disease. Therefore, it has been classified as a Variant of Uncertain Significance.

NM_000213.5(ITGB4):c.4388C>T (p.Thr1463Met)

Genes: GALK1 (galactokinase 1; minus strand), ITGB4 (integrin subunit beta 4; plus strand). Cytogenetic location: 17q25.1.
Variant type: single nucleotide variant.
Coding change: c.4388C>T on transcript NM_000213.5 (MANE Select); coding-DNA position 4388, C replaced by T.
Protein change: p.Thr1463Met; replaces threonine 1463 with methionine.
Molecular consequence: missense variant. On other transcripts: intron variant (1).
Genome position (GRCh38, 1-based): chr17:75,754,645, C>T. VCF-style: chr17-75754645-C-T. GRCh37 (hg19) VCF-style: chr17-73750726-C-T.
Other names: c.4178C>T, p.Thr1393Met (NM_001005619.2, NM_001005731.3, NM_001321123.2 and 1 more transcripts); c.*23-2908G>A (NM_001381985.1); short protein forms T1393M, T1463M.
Identifiers: ClinVar variation 2076817 (VCV002076817.2), dbSNP rs372323678, ClinGen allele CA8770099.